The following is an entry in ClinVar:

ClinVar aggregate classification (germline): Likely pathogenic. Review status: criteria provided, multiple submitters, no conflicts (2 of 4 stars). 4 submissions from 4 submitters: Likely pathogenic (2). 2 of the submissions do not count toward it. Last evaluated 2025-03-15.

Conditions:
ABCA4-related disorder. Also called: ABCA4-related condition; ABCA4-related disorders. Identifiers: MedGen CN239167.
Severe early-childhood-onset retinal dystrophy (STGD1). Also called: MACULAR DYSTROPHY WITH FLECKS, TYPE 1; STGD; Stargardt disease 1; Stargardt macular dystrophy; Juvenile onset macular degeneration. Identifiers: Orphanet 364055, Orphanet 827, MedGen C1855465, MeSH D000080362, MONDO:0009549, OMIM 248200.

Submissions (4):

GeneDx
Classification: Likely pathogenic. Last evaluated: 2025-03-15. Review status: criteria provided, single submitter. Criteria: GeneDx Variant Classification Process June 2021. Collection method: clinical testing. Allele origin: germline. Affected: yes.
Comment: Not observed at significant frequency in large population cohorts (gnomAD); In silico analysis indicates that this missense variant does not alter protein structure/function; In silico analysis supports a deleterious effect on splicing; This variant is associated with the following publications: (PMID: 35120629, 10458172, 11726554, 39162841)

Blueprint Genetics
Classification: Likely pathogenic for ABCA4-related disorders. Last evaluated: 2021-04-29. Review status: criteria provided, single submitter. Criteria: ACMG Guidelines, 2015. Collection method: clinical testing. Allele origin: germline. Affected: yes. Observed: 3 variant alleles.

Ophthalmo-Genetics Lab, Instituto de Oftalmologia Conde de Valenciana
Classification: Likely pathogenic for Severe early-childhood-onset retinal dystrophy. Review status: no assertion criteria provided. Collection method: research. Allele origin: germline. Inheritance: Autosomal recessive inheritance. Affected: yes. Not counted in ClinVar's aggregate classification.

Retina International
No classification provided. Review status: no classification provided. Collection method: not provided. Allele origin: not provided. Not counted in ClinVar's aggregate classification.

Literature cited by the submitters: PubMed 11726554 (cited by Ophthalmo-Genetics Lab, Instituto de Oftalmologia Conde de Valenciana).

NM_000350.3(ABCA4):c.6339C>G (p.Ile2113Met)

Gene: ABCA4 (ATP binding cassette subfamily A member 4; minus strand). Cytogenetic location: 1p22.1.
Variant type: single nucleotide variant.
Coding change: c.6339C>G on transcript NM_000350.3 (MANE Select); coding-DNA position 6339, C replaced by G.
Protein change: p.Ile2113Met; replaces isoleucine 2113 with methionine.
Molecular consequence: missense variant.
Genome position (GRCh38, 1-based): chr1:94,001,049, G>C on the plus strand (C>G on the coding strand, the complement: ABCA4 is on the minus strand). VCF-style: chr1-94001049-G-C. GRCh37 (hg19) VCF-style: chr1-94466605-G-C.
Other names: c.6117C>G, p.Ile2039Met (NM_001425324.1); short protein forms I2113M, I2039M.
Identifiers: ClinVar variation 99451 (VCV000099451.4), dbSNP rs61750649, ClinGen allele CA227394.